The following is an entry in ClinVar:

ClinVar aggregate classification (germline): Likely benign (1 of 4 stars; one submission).

Submission:

CeGaT Center for Human Genetics Tuebingen
Classification: Likely benign. Last evaluated: 2026-01-01. Review status: criteria provided, single submitter. Criteria: CeGaT Center For Human Genetics Tuebingen Variant Classification Criteria Version 2. Collection method: clinical testing. Allele origin: germline. Affected: yes. Observed: 1 variant allele.
Comment: ACTG1: BP4, BP7

NM_001614.5(ACTG1):c.87C>G (p.Ala29=)

Genes: ACTG1 (actin gamma 1; minus strand), LOC130061940 (ATAC-STARR-seq lymphoblastoid active region 12964; plus strand). Cytogenetic location: 17q25.3.
Variant type: single nucleotide variant.
Coding change: c.87C>G on transcript NM_001614.5 (MANE Select); coding-DNA position 87, C replaced by G.
Protein change: p.Ala29=; no amino-acid change (alanine 29 retained).
Molecular consequence: synonymous variant. On other transcripts: non-coding transcript variant (1).
Genome position (GRCh38, 1-based): chr17:81,512,268, G>C on the plus strand (C>G on the coding strand, the complement: ACTG1 is on the minus strand). VCF-style: chr17-81512268-G-C. GRCh37 (hg19) VCF-style: chr17-79479294-G-C.
Other names: c.87C>G, p.Ala29= (NM_001199954.3).
Identifiers: ClinVar variation 4822197 (VCV004822197.4).